The following is an entry in ClinVar:

ClinVar aggregate classification (germline): Uncertain significance (1 of 4 stars; one submission).

Submission:

GeneDx
Classification: Uncertain significance. Last evaluated: 2023-07-26. Review status: criteria provided, single submitter. Criteria: GeneDx Variant Classification Process June 2021. Collection method: clinical testing. Allele origin: germline. Affected: yes.
Comment: Has not been previously published as pathogenic or benign to our knowledge; Frameshift variant predicted to result in protein truncation or nonsense mediated decay in a gene for which loss-of-function is not a known mechanism of disease; Not observed at significant frequency in large population cohorts (gnomAD)

NM_001382241.1(TNPO2):c.245del (p.Pro82fs)

Gene: TNPO2 (transportin 2; minus strand). Cytogenetic location: 19p13.13.
Variant type: Deletion.
Coding change: c.245del on transcript NM_001382241.1 (MANE Select); coding-DNA position 245, one base deleted (C; older notation c.245delC).
Protein change: p.Pro82fs; shifts the reading frame from proline 82.
Molecular consequence: frameshift variant. On other transcripts: non-coding transcript variant (6).
Genome position (GRCh38, 1-based): chr19:12,719,109, G deleted on the plus strand (C on the coding strand, the reverse complement: TNPO2 is on the minus strand); the first of 3 consecutive G bases (chr19:12,719,109-12,719,111); deleting any one gives the same sequence. VCF-style (leftmost placement, unchanged base first): chr19-12719108-TG-T. GRCh37 (hg19) VCF-style: chr19-12829922-TG-T.
Other names: c.245del, p.Pro82fs (NM_001382237.1, NM_001382238.1, NM_001382239.1 and 7 more transcripts); short protein forms P82fs.
Identifiers: ClinVar variation 2574960 (VCV002574960.1), dbSNP rs2512728441, ClinGen allele CA2576636475.